The following is an entry in ClinVar:

NM_153717.3(EVC):c.1036_1037del (p.Leu346fs)

Gene: EVC (EvC ciliary complex subunit 1; plus strand). Cytogenetic location: 4p16.2.
Variant type: Microsatellite.
Coding change: c.1036_1037del on transcript NM_153717.3 (MANE Select); coding-DNA positions 1036 to 1037, 2 bases deleted (CT; older notation c.1036_1037delCT).
Protein change: p.Leu346fs; shifts the reading frame from leucine 346.
Molecular consequence: frameshift variant.
Genome position (GRCh38, 1-based): chr4:5,748,244-5,748,245, CT deleted; deleting any 2 consecutive bases within chr4:5,748,242-5,748,245 gives the same sequence; the c. name uses the placement nearest the transcript's 3' end. VCF-style (leftmost placement, unchanged base first): chr4-5748241-ACT-A. GRCh37 (hg19) VCF-style: chr4-5749968-ACT-A.
Other names: c.1036_1037del, p.Leu346fs (NM_001306090.2, NM_001306092.2); short protein forms L346fs.
Identifiers: ClinVar variation 372594 (VCV000372594.7), dbSNP rs767913372, ClinGen allele CA2835964.

ClinVar aggregate classification (germline): Pathogenic. Review status: criteria provided, multiple submitters, no conflicts (2 of 4 stars). 4 submissions from 4 submitters: Pathogenic (3). 1 of the submissions does not count toward it. Last evaluated 2025-01-13.

Conditions:
Ellis-van Creveld syndrome (EVC). Also called: Chondroectodermal dysplasia; MESOECTODERMAL DYSPLASIA; EVC-Related Ellis-van Creveld Syndrome; EVC2-Related Ellis-van Creveld Syndrome. Identifiers: Orphanet 289, MedGen C0013903, MONDO:0009162, OMIM 225500.
Curry-Hall syndrome (WAD). Also called: WEYERS ACRODENTAL DYSOSTOSIS. Identifiers: Orphanet 952, MedGen C0457013, MONDO:0008673, OMIM 193530.

Submissions (4):

Labcorp Genetics (formerly Invitae), Labcorp
Classification: Pathogenic for Curry-Hall syndrome; Ellis-van Creveld syndrome. Last evaluated: 2025-01-13. Review status: criteria provided, single submitter. Criteria: Invitae Variant Classification Sherloc (09022015). Collection method: clinical testing. Allele origin: germline.
Comment: This sequence change creates a premature translational stop signal (p.Leu346Aspfs*37) in the EVC gene. It is expected to result in an absent or disrupted protein product. Loss-of-function variants in EVC are known to be pathogenic (PMID: 23220543). This variant is present in population databases (rs767913372, gnomAD 0.003%). This premature translational stop signal has been observed in individual(s) with Ellis-van Creveld syndrome (PMID: 23220543). For these reasons, this variant has been classified as Pathogenic.

Fulgent Genetics
Classification: Pathogenic for Curry-Hall syndrome; Ellis-van Creveld syndrome. Last evaluated: 2021-12-30. Review status: criteria provided, single submitter. Criteria: ACMG Guidelines, 2015. Collection method: clinical testing. Allele origin: unknown.

GeneDx
Classification: Pathogenic. Last evaluated: 2018-04-10. Review status: criteria provided, single submitter. Criteria: GeneDx Variant Classification (06012015). Collection method: clinical testing. Allele origin: germline. Affected: yes.
Comment: The c.1036_1037delCT variant in the EVC gene has been reported previously in the homozygous state in a fetus with postaxial polydactyly, short ribs, and partial atrioventricular canal (D'Asdia et al., 2013). This variant causes a frameshift starting with codon Leucine 346, changes this amino acid to an Aspartic Acid residue, and creates a premature Stop codon at position 37 of the new reading frame, denoted p.Leu346AspfsX37. This variant is predicted to cause loss of normal protein function either through protein truncation or nonsense-mediated mRNA decay. The c.1036_1037delCT variant was not observed in approximately 6500 individuals of European and African American ancestry in the NHLBI Exome Sequencing Project, indicating it is not a common benign variant in these populations. We interpret c.1036_1037delCT as a pathogenic variant.

Natera, Inc.
Classification: Pathogenic for Ellis-van Creveld syndrome. Last evaluated: 2020-11-04. Review status: no assertion criteria provided. Collection method: clinical testing. Allele origin: germline. Not counted in ClinVar's aggregate classification.

Literature cited by the submitters: PubMed 23220543 (cited by Labcorp Genetics (formerly Invitae), Labcorp).